The following is an entry in ClinVar:

NM_000022.4(ADA):c.*173G>C

Gene: ADA (adenosine deaminase; minus strand). Cytogenetic location: 20q13.12.
Variant type: single nucleotide variant.
Coding change: c.*173G>C on transcript NM_000022.4 (MANE Select); 173 bases downstream of the stop codon, G replaced by C.
Molecular consequence: 3 prime UTR variant. On other transcripts: non-coding transcript variant (1).
Genome position (GRCh38, 1-based): chr20:44,619,661, C>G on the plus strand (G>C on the coding strand, the complement: ADA is on the minus strand). VCF-style: chr20-44619661-C-G. GRCh37 (hg19) VCF-style: chr20-43248302-C-G.
Other names: c.*173G>C (NM_001322050.2, NM_001322051.2).
Identifiers: ClinVar variation 338502 (VCV000338502.6), dbSNP rs11906526, ClinGen allele CA10643924.

ClinVar aggregate classification (germline): Likely benign. Review status: criteria provided, multiple submitters, no conflicts (2 of 4 stars). 2 submissions from 2 submitters: Likely benign (2). Last evaluated 2017-04-27.

Conditions:
Severe combined immunodeficiency, autosomal recessive, T cell-negative, B cell-negative, NK cell-negative, due to adenosine deaminase deficiency. Also called: ADA-SCID; SCID DUE TO ADA DEFICIENCY; SCID DUE TO ADA DEFICIENCY, EARLY-ONSET; ADA deficiency; Adenosine deaminase deficient severe combined immunodeficiency; Severe combined immunodeficiency due to ADA deficiency. Identifiers: Orphanet 277, MedGen C0392607, MONDO:0007064, OMIM 102700.

Allele frequency attached by ClinVar (database versions not stated): TOPMed 0.01285; 1000 Genomes Project 0.01298; 1000 Genomes Project 30x 0.01374.

Submissions (2):

Illumina Laboratory Services, Illumina
Classification: Likely benign for Severe combined immunodeficiency, autosomal recessive, T cell-negative, B cell-negative, NK cell-negative, due to adenosine deaminase deficiency. Last evaluated: 2017-04-27. Review status: criteria provided, single submitter. Criteria: ICSL Variant Classification Criteria 13 December 2019. Collection method: clinical testing. Allele origin: germline.
Comment: This variant was observed as part of a predisposition screen in an ostensibly healthy population. A literature search was performed for the gene, cDNA change, and amino acid change (where applicable). No publications were found based on this search. Allele frequency data from public databases allowed determination this variant is unlikely to cause disease. Therefore, this variant is classified as likely benign.

Breakthrough Genomics
Classification: Likely benign. Review status: criteria provided, single submitter. Criteria: ACMG Guidelines, 2015. Collection method: not provided. Allele origin: germline. Inheritance: Autosomal recessive inheritance. Affected: yes.